The following is an entry in ClinVar:

ClinVar aggregate classification (germline): Uncertain significance (1 of 4 stars; one submission).

Conditions:
Phenylketonuria (PKU). Also called: OLIGOPHRENIA PHENYLPYRUVICA; Phenylketonurias; Phenylketonuria (PKU); FOLLING DISEASE. Identifiers: Orphanet 716, MedGen C0031485, MONDO:0009861, OMIM 261600. Disease mechanism: loss of function.

Allele frequency attached by ClinVar (database versions not stated): TOPMed 0.00001; gnomAD exomes 0.00002 and 0.00004.
gnomAD v4.1: 11 of 1,613,854 alleles (0.00068%); highest among the groups gnomAD compares: Admixed American, 0.018%; no homozygotes.

Submission:

Labcorp Genetics (formerly Invitae), Labcorp
Classification: Uncertain significance for Phenylketonuria. Last evaluated: 2022-07-06. Review status: criteria provided, single submitter. Criteria: Invitae Variant Classification Sherloc (09022015). Collection method: clinical testing. Allele origin: germline.
Comment: This sequence change replaces leucine, which is neutral and non-polar, with phenylalanine, which is neutral and non-polar, at codon 365 of the PAH protein (p.Leu365Phe). This variant is present in population databases (no rsID available, gnomAD 0.03%). This variant has not been reported in the literature in individuals affected with PAH-related conditions. ClinVar contains an entry for this variant (Variation ID: 1421014). Advanced modeling of protein sequence and biophysical properties (such as structural, functional, and spatial information, amino acid conservation, physicochemical variation, residue mobility, and thermodynamic stability) performed at Invitae indicates that this missense variant is expected to disrupt PAH protein function. In summary, the available evidence is currently insufficient to determine the role of this variant in disease. Therefore, it has been classified as a Variant of Uncertain Significance.

NM_000277.3(PAH):c.1093C>T (p.Leu365Phe)

Gene: PAH (phenylalanine hydroxylase; minus strand). Cytogenetic location: 12q23.2.
Variant type: single nucleotide variant.
Coding change: c.1093C>T on transcript NM_000277.3 (MANE Select); coding-DNA position 1093, C replaced by T.
Protein change: p.Leu365Phe; replaces leucine 365 with phenylalanine.
Molecular consequence: missense variant.
Genome position (GRCh38, 1-based): chr12:102,843,752, G>A on the plus strand (C>T on the coding strand, the complement: PAH is on the minus strand). VCF-style: chr12-102843752-G-A. GRCh37 (hg19) VCF-style: chr12-103237530-G-A.
Other names: c.1093C>T, p.Leu365Phe (NM_001354304.2); short protein forms L365F.
Identifiers: ClinVar variation 1421014 (VCV001421014.3), dbSNP rs951540129, ClinGen allele CA242744261.